The following is an entry in ClinVar:

NM_000059.4(BRCA2):c.1350T>C (p.Ser450=)

Gene: BRCA2 (BRCA2 DNA repair associated; plus strand). Cytogenetic location: 13q13.1.
Variant type: single nucleotide variant.
Coding change: c.1350T>C on transcript NM_000059.4 (MANE Select); coding-DNA position 1350, T replaced by C.
Protein change: p.Ser450=; no amino-acid change (serine 450 retained).
Molecular consequence: synonymous variant. On other transcripts: non-coding transcript variant (1), intron variant (1).
Genome position (GRCh38, 1-based): chr13:32,332,828, T>C. VCF-style: chr13-32332828-T-C. GRCh37 (hg19) VCF-style: chr13-32906965-T-C.
Other names: c.1350T>C, p.Ser450= (NM_001406719.1, NM_001406720.1, NM_001406721.1); c.424+1798T>C (NM_001406722.1).
Identifiers: ClinVar variation 3074170 (VCV003074170.1), dbSNP rs2137470526, ClinGen allele CA483436768.
Genomic context (GRCh38, chr13:32,332,828, plus strand): 5'-CACAGAGAACAAAAGAAAGAAAGATTTTCTTACTTCAGAGAATTCTTTGCCACGTATTTC[T>C]AGCCTACCAAAATCAGAGAAGCCATTAAATGAGGAAACAGTGGTAAATAAGAGAGATGAA-3'
Protein context (NP_000050.3, residues 440-460): LTSENSLPRI[Ser450=]SLPKSEKPLN

ClinVar aggregate classification (germline): Likely benign (1 of 4 stars; one submission).

Conditions:
Breast-ovarian cancer, familial, susceptibility to, 2 (BROVCA2). Also called: BRCA2 Hereditary Breast and Ovarian Cancer. Identifiers: Orphanet 145, MedGen C2675520, MONDO:0012933, OMIM 612555. Disease mechanism: loss of function.

Submission:

All of Us Research Program, National Institutes of Health
Classification: Likely benign for Breast-ovarian cancer, familial, susceptibility to, 2. Last evaluated: 2023-10-27. Review status: criteria provided, single submitter. Criteria: ACMG Guidelines, 2015. Collection method: clinical testing. Allele origin: germline. Inheritance: Autosomal dominant inheritance. Observed: 1 variant allele, 1 heterozygote.
Comment: This study involves interpretation of variants in research participants for the purpose of population health screening. Participant phenotype was not available at the time of variant classification. Additional details can be found in publication PMID: 35346344, PMCID: PMC8962531